The following is an entry in ClinVar:

NM_003072.5(SMARCA4):c.1175T>A (p.Leu392Gln)

Gene: SMARCA4 (SWI/SNF related BAF chromatin remodeling complex subunit ATPase 4; plus strand). Cytogenetic location: 19p13.2.
Variant type: single nucleotide variant.
Coding change: c.1175T>A on transcript NM_003072.5 (MANE Select); coding-DNA position 1175, T replaced by A.
Protein change: p.Leu392Gln; replaces leucine 392 with glutamine.
Molecular consequence: missense variant. On other transcripts: non-coding transcript variant (1).
Genome position (GRCh38, 1-based): chr19:10,989,373, T>A. VCF-style: chr19-10989373-T-A. GRCh37 (hg19) VCF-style: chr19-11100049-T-A.
Other names: c.1175T>A, p.Leu392Gln (NM_001128844.3, NM_001128845.2, NM_001128846.2 and 6 more transcripts); short protein forms L392Q.
Identifiers: ClinVar variation 2714826 (VCV002714826.3), dbSNP rs2145848281, ClinGen allele CA404059563.

ClinVar aggregate classification (germline): Uncertain significance (1 of 4 stars; one submission).

Conditions:
Rhabdoid tumor predisposition syndrome 2 (RTPS2). Identifiers: Orphanet 231108, Orphanet 69077, MedGen C2750074, MONDO:0013224, OMIM 613325.

Submission:

Labcorp Genetics (formerly Invitae), Labcorp
Classification: Uncertain significance for Rhabdoid tumor predisposition syndrome 2. Last evaluated: 2023-06-14. Review status: criteria provided, single submitter. Criteria: Invitae Variant Classification Sherloc (09022015). Collection method: clinical testing. Allele origin: germline.
Comment: This sequence change replaces leucine, which is neutral and non-polar, with glutamine, which is neutral and polar, at codon 392 of the SMARCA4 protein (p.Leu392Gln). This variant is not present in population databases (gnomAD no frequency). This variant has not been reported in the literature in individuals affected with SMARCA4-related conditions. Advanced modeling of protein sequence and biophysical properties (such as structural, functional, and spatial information, amino acid conservation, physicochemical variation, residue mobility, and thermodynamic stability) performed at Invitae indicates that this missense variant is expected to disrupt SMARCA4 protein function. In summary, the available evidence is currently insufficient to determine the role of this variant in disease. Therefore, it has been classified as a Variant of Uncertain Significance.